The following is an entry in ClinVar:

ClinVar aggregate classification (germline): Conflicting classifications of pathogenicity. Review status: criteria provided, conflicting classifications (1 of 4 stars). 10 submissions from 10 submitters: Uncertain significance (1); Benign (2); Likely benign (6). 1 of the submissions does not count toward it. Last evaluated 2026-09-01.

Conditions:
LITAF-related disorder. Also called: LITAF-related condition.
Inborn genetic diseases. Identifiers: MedGen C0950123, MeSH D030342.
Charcot-Marie-Tooth disease type 1C. Also called: CHARCOT-MARIE-TOOTH NEUROPATHY, TYPE 1C; NEUROPATHY, HEREDITARY MOTOR AND SENSORY, TYPE IC; CHARCOT-MARIE-TOOTH DISEASE, DEMYELINATING, TYPE 1C; CMT, SLOW NERVE CONDUCTION TYPE C; HMSN IC; Charcot-Marie-Tooth disease, type IC. Identifiers: Orphanet 101083, MedGen C0270913, MONDO:0010995, OMIM 601098.
Charcot-Marie-Tooth disease. Also called: Charcot-Marie-Tooth Neuropathy; Charcot-Marie-Tooth Hereditary Neuropathy. Identifiers: Orphanet 166, MedGen C0007959, MONDO:0015626.

Allele frequency attached by ClinVar (database versions not stated): 1000 Genomes Project 30x 0.00031; 1000 Genomes Project 0.00040; ExAC 0.00052; gnomAD exomes 0.00059 and 0.00129; TOPMed 0.00080; gnomAD 0.00083 and 0.00086; ESP Exome Variant Server 0.00108.
gnomAD v4.1: 2,001 of 1,614,150 alleles (0.12%); highest among the groups gnomAD compares: Non-Finnish European, 0.16%; 2 homozygotes.

Submissions (10):

CeGaT Center for Human Genetics Tuebingen
Classification: Likely benign. Last evaluated: 2026-09-01. Review status: criteria provided, single submitter. Criteria: CeGaT Center For Human Genetics Tuebingen Variant Classification Criteria Version 2. Collection method: clinical testing. Allele origin: germline. Affected: yes. Observed: 3 variant alleles.
Comment: LITAF: BS1

Women's Health and Genetics/Laboratory Corporation of America, LabCorp
Classification: Likely benign. Last evaluated: 2026-01-05. Review status: criteria provided, single submitter. Criteria: LabCorp Variant Classification Summary - May 2015. Collection method: clinical testing. Allele origin: germline.
Comment: Variant summary: LITAF c.146C>T (p.Thr49Met) results in a non-conservative amino acid change in the encoded protein sequence. Algorithms developed to predict the effect of missense changes on protein structure and function are either unavailable or do not agree on the potential impact of this missense change. The variant allele was found at a frequency of 0.00059 in 251306 control chromosomes. The observed variant frequency exceeds the estimated maximal expected allele frequency for disease-causing variants in LITAF. c.146C>T has been observed in the presumed heterozygous state in several individual(s) affected with clinical features of Charcot-Marie-Tooth disease type 1C or neuropathy (example, Volodarsky_2021, Guimares-Costa_2017, Beauvais_2006, Blanco-Cant_2020) without strong evidence for causality. These report(s) do not provide unequivocal conclusions about association of the variant with Charcot-Marie-Tooth disease type 1C. Multiple publications report conflicting experimental evidence evaluating an impact on protein function in vitro, however, do not allow convincing conclusions about the variant effect (example, Zhu_2013, Blanco-Cant_2020, Lacerda_2014). The following publications have been ascertained in the context of this evaluation (PMID: 21918739, 32326241, 32951330, 32376792, 38181093, 16775366, 27582484, 23576546, 28211240, 16877806, 26220970, 25058650, 16373087, 16787513, 30197081, 15776429, 32337334). ClinVar contains an entry for this variant (Variation ID: 215840). Based on the evidence outlined above, the variant was classified as likely benign.

Labcorp Genetics (formerly Invitae), Labcorp
Classification: Likely benign for Charcot-Marie-Tooth disease type 1C. Last evaluated: 2025-11-17. Review status: criteria provided, single submitter. Criteria: Invitae Variant Classification Sherloc (09022015). Collection method: clinical testing. Allele origin: germline.

PreventionGenetics, part of Exact Sciences
Classification: Likely benign for LITAF-related condition. Last evaluated: 2025-07-15. Review status: criteria provided, single submitter. Criteria: ACMG Guidelines, 2015. Collection method: clinical testing. Allele origin: germline.
Comment: This variant is classified as likely benign based on ACMG/AMP sequence variant interpretation guidelines (Richards et al. 2015 PMID: 25741868, with internal and published modifications).

Athena Diagnostics
Classification: Benign. Last evaluated: 2024-03-11. Review status: criteria provided, single submitter. Criteria: Athena Diagnostics Criteria. Collection method: clinical testing. Allele origin: unknown.

Ambry Genetics
Classification: Benign for Inborn genetic diseases. Last evaluated: 2021-12-21. Review status: criteria provided, single submitter. Criteria: Ambry Variant Classification Scheme 2023. Collection method: clinical testing. Allele origin: germline.

GeneDx
Classification: Likely benign. Last evaluated: 2020-02-24. Review status: criteria provided, single submitter. Criteria: GeneDx Variant Classification Process June 2021. Collection method: clinical testing. Allele origin: germline. Affected: yes.
Comment: This variant is associated with the following publications: (PMID: 25058650, 15776429, 16373087, 23576546, 28211240, 16775366, 16877806, 26220970, 32376792)

Illumina Laboratory Services, Illumina
Classification: Uncertain significance for Charcot-Marie-Tooth disease type 1C. Last evaluated: 2017-04-27. Review status: criteria provided, single submitter. Criteria: ICSL Variant Classification Criteria 13 December 2019. Collection method: clinical testing. Allele origin: germline.
Comment: This variant was observed as part of a predisposition screen in an ostensibly healthy population. A literature search was performed for the gene, cDNA change, and amino acid change (where applicable). Publications were found based on this search. However, the evidence from the literature, in combination with allele frequency data from public databases where available, was not sufficient to rule this variant in or out of causing disease. Therefore, this variant is classified as a variant of unknown significance.

Molecular Genetics Laboratory, London Health Sciences Centre
Classification: Likely benign for Charcot-Marie-Tooth disease. Review status: criteria provided, single submitter. Criteria: ACMG Guidelines, 2015. Collection method: clinical testing. Allele origin: germline. Affected: yes.

Inherited Neuropathy Consortium
Classification: Likely pathogenic for Charcot-Marie-Tooth disease. Review status: no assertion criteria provided. Collection method: literature only. Allele origin: germline. Affected: yes. Not counted in ClinVar's aggregate classification.

Literature cited by the submitters: PubMed 26220970 (cited by Women's Health and Genetics/Laboratory Corporation of America, LabCorp); PubMed 27582484 (cited by Women's Health and Genetics/Laboratory Corporation of America, LabCorp); PubMed 30197081 (cited by Women's Health and Genetics/Laboratory Corporation of America, LabCorp); PubMed 32376792 (cited by Women's Health and Genetics/Laboratory Corporation of America, LabCorp); PubMed 25058650 (cited by 3 submitters); PubMed 16787513 (cited by Women's Health and Genetics/Laboratory Corporation of America, LabCorp and Athena Diagnostics); PubMed 23576546 (cited by Women's Health and Genetics/Laboratory Corporation of America, LabCorp and Athena Diagnostics); PubMed 32326241 (cited by Women's Health and Genetics/Laboratory Corporation of America, LabCorp); PubMed 21918739 (cited by Women's Health and Genetics/Laboratory Corporation of America, LabCorp and Athena Diagnostics); PubMed 15776429 (cited by 3 submitters); PubMed 16877806 (cited by Women's Health and Genetics/Laboratory Corporation of America, LabCorp); PubMed 16775366 (cited by Women's Health and Genetics/Laboratory Corporation of America, LabCorp); PubMed 38181093 (cited by Women's Health and Genetics/Laboratory Corporation of America, LabCorp); PubMed 32951330 (cited by Women's Health and Genetics/Laboratory Corporation of America, LabCorp); PubMed 16373087 (cited by 3 submitters); PubMed 32337334 (cited by Women's Health and Genetics/Laboratory Corporation of America, LabCorp); PubMed 28211240 (cited by Women's Health and Genetics/Laboratory Corporation of America, LabCorp and Athena Diagnostics); PubMed 25245565 (cited by Athena Diagnostics).

NM_001136472.2(LITAF):c.146C>T (p.Thr49Met)

Gene: LITAF (lipopolysaccharide induced TNF factor; minus strand). Cytogenetic location: 16p13.13.
Variant type: single nucleotide variant.
Coding change: c.146C>T on transcript NM_001136472.2 (MANE Select); coding-DNA position 146, C replaced by T.
Protein change: p.Thr49Met; replaces threonine 49 with methionine.
Molecular consequence: missense variant. On other transcripts: non-coding transcript variant (1).
Genome position (GRCh38, 1-based): chr16:11,556,585, G>A on the plus strand (C>T on the coding strand, the complement: LITAF is on the minus strand). VCF-style: chr16-11556585-G-A. GRCh37 (hg19) VCF-style: chr16-11650441-G-A.
Other names: c.146C>T, p.Thr49Met (NM_001136473.1, NM_004862.4); short protein forms T49M.
Identifiers: ClinVar variation 215840 (VCV000215840.48), dbSNP rs141862602, ClinGen allele CA338014.